The following is an entry in ClinVar:

ClinVar aggregate classification (germline): Pathogenic (0 of 4 stars; one submission).

Conditions:
Developmental and epileptic encephalopathy, 7 (DEE7). Also called: KCNQ2-Related Neonatal Epileptic Encephalopathy; Early infantile epileptic encephalopathy 7; KCNQ2-Related Neonatal-Onset Developmental and Epileptic Encephalopathy (NEO-DEE). Identifiers: Orphanet 439218, MedGen C3150986, MONDO:0013387, OMIM 613720.

Submission:

Baylor Genetics
Classification: Pathogenic for Developmental and epileptic encephalopathy, 7. Last evaluated: 2016-05-01. Review status: no assertion criteria provided. Collection method: clinical testing. Allele origin: de novo. Inheritance: Autosomal dominant inheritance. Affected: yes.

NM_172107.4(KCNQ2):c.2425del (p.Gln809fs)

Gene: KCNQ2 (potassium voltage-gated channel subfamily Q member 2; minus strand). Cytogenetic location: 20q13.33.
Variant type: Deletion.
Coding change: c.2425del on transcript NM_172107.4 (MANE Select); coding-DNA position 2425, one base deleted (C; older notation c.2425delC).
Protein change: p.Gln809fs; shifts the reading frame from glutamine 809.
Molecular consequence: frameshift variant.
Genome position (GRCh38, 1-based): chr20:63,406,838, G deleted on the plus strand (C on the coding strand, the reverse complement: KCNQ2 is on the minus strand); the first of 3 consecutive G bases (chr20:63,406,838-63,406,840); deleting any one gives the same sequence. VCF-style (leftmost placement, unchanged base first): chr20-63406837-TG-T. GRCh37 (hg19) VCF-style: chr20-62038190-TG-T.
Other names: c.2341del, p.Gln781fs (NM_004518.6); c.2371del, p.Gln791fs (NM_172106.3); c.2332del, p.Gln778fs (NM_172108.5); short protein forms Q791fs, Q781fs, Q778fs, Q809fs.
Identifiers: ClinVar variation 374272 (VCV000374272.1), dbSNP rs1057518662, ClinGen allele CA16043700.